The following is an entry in ClinVar:

ClinVar aggregate classification (germline): Uncertain significance (1 of 4 stars; one submission).

Conditions:
Ataxia-telangiectasia syndrome (AT). Also called: Ataxia-telangiectasia, complementation group D; AT, COMPLEMENTATION GROUP C; ATAXIA-TELANGIECTASIA, COMPLEMENTATION GROUP A; ATAXIA-TELANGIECTASIA, FRESNO VARIANT; Ataxia-telangiectasia; Ataxia-telangiectasia, complementation group E. Identifiers: Orphanet 100, MedGen C0004135, MONDO:0008840, OMIM 208900.

Submission:

Labcorp Genetics (formerly Invitae), Labcorp
Classification: Uncertain significance for Ataxia-telangiectasia syndrome. Last evaluated: 2024-08-13. Review status: criteria provided, single submitter. Criteria: Invitae Variant Classification Sherloc (09022015). Collection method: clinical testing. Allele origin: germline.
Comment: This sequence change replaces serine, which is neutral and polar, with arginine, which is basic and polar, at codon 1993 of the ATM protein (p.Ser1993Arg). This variant is not present in population databases (gnomAD no frequency). This variant has not been reported in the literature in individuals affected with ATM-related conditions. An algorithm developed to predict the effect of missense changes on protein structure and function (PolyPhen-2) suggests that this variant is likely to be disruptive. In summary, the available evidence is currently insufficient to determine the role of this variant in disease. Therefore, it has been classified as a Variant of Uncertain Significance.

NM_000051.4(ATM):c.5979T>A (p.Ser1993Arg)

Genes: ATM (ATM serine/threonine kinase; plus strand), C11orf65 (chromosome 11 open reading frame 65; minus strand). Cytogenetic location: 11q22.3.
Variant type: single nucleotide variant.
Coding change: c.5979T>A on transcript NM_000051.4 (MANE Select); coding-DNA position 5979, T replaced by A.
Protein change: p.Ser1993Arg; replaces serine 1993 with arginine.
Molecular consequence: missense variant. On other transcripts: intron variant (2).
Genome position (GRCh38, 1-based): chr11:108,312,471, T>A. VCF-style: chr11-108312471-T-A. GRCh37 (hg19) VCF-style: chr11-108183198-T-A.
Other names: c.5979T>A, p.Ser1993Arg (NM_001351834.2); c.641-3400A>T (NM_001330368.2); c.*39-3400A>T (NM_001351110.2); short protein forms S1993R.
Identifiers: ClinVar variation 3718308 (VCV003718308.2).